The following is an entry in ClinVar:

ClinVar aggregate classification (germline): Likely pathogenic (1 of 4 stars; one submission).

Conditions:
Phenylketonuria (PKU). Also called: OLIGOPHRENIA PHENYLPYRUVICA; Phenylketonuria (PKU); Phenylketonurias; FOLLING DISEASE. Identifiers: Orphanet 716, MedGen C0031485, MONDO:0009861, OMIM 261600. Disease mechanism: loss of function.

gnomAD v4.1: 1 of 1,613,314 alleles (0.000062%); highest among the groups gnomAD compares: East Asian, 0.0022%; no homozygotes.

Submission:

Juno Genomics, Hangzhou Juno Genomics, Inc
Classification: Likely pathogenic for Phenylketonuria. Review status: criteria provided, single submitter. Criteria: ACMG Guidelines, 2015. Collection method: clinical testing. Allele origin: germline.
Comment: Absent from controls (or at extremely low frequency if recessive) in Genome Aggregation Database.;Novel missense change at an amino acid residue where a different missense change determined to be pathogenic has been seen before.;Multiple lines of computational evidence support a deleterious effect on the gene or gene product.;For recessive disorders, detected in trans with a pathogenic variant.

NM_000277.3(PAH):c.433G>C (p.Asp145His)

Gene: PAH (phenylalanine hydroxylase; minus strand). Cytogenetic location: 12q23.2.
Variant type: single nucleotide variant.
Coding change: c.433G>C on transcript NM_000277.3 (MANE Select); coding-DNA position 433, G replaced by C.
Protein change: p.Asp145His; replaces aspartic acid 145 with histidine.
Molecular consequence: missense variant.
Genome position (GRCh38, 1-based): chr12:102,877,470, C>G on the plus strand (G>C on the coding strand, the complement: PAH is on the minus strand). VCF-style: chr12-102877470-C-G. GRCh37 (hg19) VCF-style: chr12-103271248-C-G.
Other names: c.433G>C, p.Asp145His (NM_001354304.2); short protein forms D145H.
Identifiers: ClinVar variation 5005027 (VCV005005027.2).